The following is an entry in ClinVar:

NM_005751.5(AKAP9):c.4342A>G (p.Ile1448Val)

Gene: AKAP9 (A-kinase anchoring protein 9; plus strand). Cytogenetic location: 7q21.2.
Variant type: single nucleotide variant.
Coding change: c.4342A>G on transcript NM_005751.5 (MANE Select); coding-DNA position 4342, A replaced by G.
Protein change: p.Ile1448Val; replaces isoleucine 1448 with valine.
Molecular consequence: missense variant.
Genome position (GRCh38, 1-based): chr7:92,038,422, A>G. VCF-style: chr7-92038422-A-G. GRCh37 (hg19) VCF-style: chr7-91667736-A-G.
Other names: c.4342A>G, p.Ile1448Val (NM_147185.3); short protein forms I1448V.
Identifiers: ClinVar variation 191517 (VCV000191517.21), dbSNP rs150379637, ClinGen allele CA236870.
Genomic context (GRCh38, chr7:92,038,422, plus strand): 5'-AAATTCCTGCTGATATTTCTAAATCTAATCCTTTATTGTTTGCTTTTATTTCTTTAGGTT[A>G]TTGTGTCAATGAGTATAGCATTTGCTCAACAAACTGAACTGTCTAGAATATCTGGGGGAA-3'
Protein context (NP_005742.4, residues 1438-1458): EQLEEEVAKV[Ile1448Val]VSMSIAFAQQ

ClinVar aggregate classification (germline): Benign/Likely benign. Review status: criteria provided, multiple submitters, no conflicts (2 of 4 stars). 7 submissions from 7 submitters: Benign (1); Likely benign (4). 2 of the submissions do not count toward it. Last evaluated 2026-01-28.

Conditions:
Cardiovascular phenotype. Identifiers: MedGen CN230736.
Long QT syndrome (LQTS). Identifiers: MedGen C0023976, MeSH D008133, MONDO:0002442. Disease mechanism: loss of function. Inheritance: Various modes of inheritance.

Allele frequency attached by ClinVar (database versions not stated): 1000 Genomes Project 0.00040; 1000 Genomes Project 30x 0.00047; gnomAD 0.00064 and 0.00065; TOPMed 0.00066; gnomAD exomes 0.00080; ESP Exome Variant Server 0.00085.
gnomAD v4.1: 1,262 of 1,608,302 alleles (0.078%); highest among the groups gnomAD compares: Admixed American, 0.12%; 2 homozygotes.

Submissions (7):

Labcorp Genetics (formerly Invitae), Labcorp
Classification: Likely benign for Long QT syndrome. Last evaluated: 2026-01-28. Review status: criteria provided, single submitter. Criteria: Invitae Variant Classification Sherloc (09022015). Collection method: clinical testing. Allele origin: germline.

Blueprint Genetics
Classification: Likely benign. Last evaluated: 2024-11-21. Review status: criteria provided, single submitter. Criteria: ACMG Guidelines, 2015. Collection method: clinical testing. Allele origin: germline.

Women's Health and Genetics/Laboratory Corporation of America, LabCorp
Classification: Benign. Last evaluated: 2023-12-12. Review status: criteria provided, single submitter. Criteria: LabCorp Variant Classification Summary - May 2015. Collection method: clinical testing. Allele origin: germline.
Comment: Variant summary: AKAP9 c.4342A>G (p.Ile1448Val) results in a conservative amino acid change in the encoded protein sequence. Three of five in-silico tools predict a benign effect of the variant on protein function. The variant allele was found at a frequency of 0.00062 in 250104 control chromosomes, predominantly at a frequency of 0.001 within the Non-Finnish European subpopulation in the gnomAD database, including 1 homozygote. The observed variant frequency within Non-Finnish European control individuals in the gnomAD database is approximately 300-fold of the estimated maximal expected allele frequency for a pathogenic variant in AKAP9 causing Long QT Syndrome phenotype (3.3e-06), strongly suggesting that the variant is a benign polymorphism found primarily in populations of Non-Finnish European origin. To our knowledge, no occurrence of c.4342A>G in individuals affected with Long QT Syndrome and no experimental evidence demonstrating its impact on protein function have been reported. The following publication has been ascertained in the context of this evaluation (PMID: 26671970). Two submitters have cited clinical-significance assessments for this variant to ClinVar after 2014. Both submitters classified the variant as likely benign. Based on the evidence outlined above, the variant was classified as benign.

Ambry Genetics
Classification: Likely benign for Cardiovascular phenotype. Last evaluated: 2018-06-22. Review status: criteria provided, single submitter. Criteria: Ambry Variant Classification Scheme 2023. Collection method: clinical testing. Allele origin: germline.

Biesecker Lab/Clinical Genomics Section, National Institutes of Health
Classification: Likely benign. Last evaluated: 2013-06-24. Review status: criteria provided, single submitter. Criteria: Ng et al. (Circ Cardiovasc Genet. 2013). Collection method: research. Allele origin: unknown. Observed: 1 variant allele. Study: ClinSeq.
Comment: The study set was not selected for affection status in relation to any cancer. Pathogenicity categories were based on literature curation. See Pubmed ID:23861362 for details.

Medical sequencing

Clinical Genetics, Academic Medical Center
Classification: Likely benign. Review status: no assertion criteria provided. Collection method: clinical testing. Allele origin: germline. Affected: yes. Study: VKGL Data-share Consensus. Not counted in ClinVar's aggregate classification.

Joint Genome Diagnostic Labs from Nijmegen and Maastricht, Radboudumc and MUMC+
Classification: Likely benign. Review status: no assertion criteria provided. Collection method: clinical testing. Allele origin: germline. Affected: yes. Study: VKGL Data-share Consensus. Not counted in ClinVar's aggregate classification.

Literature cited by the submitters: PubMed 26671970 (cited by Women's Health and Genetics/Laboratory Corporation of America, LabCorp and Ambry Genetics).